The following is an entry in ClinVar:

NM_014112.5(TRPS1):c.1646_1649dup (p.Pro551fs)

Gene: TRPS1 (transcriptional repressor GATA binding 1; minus strand). Cytogenetic location: 8q23.3.
Variant type: Duplication.
Coding change: c.1646_1649dup on transcript NM_014112.5 (MANE Select); coding-DNA positions 1646 to 1649, 4 bases duplicated (ATGG; older notation c.1646_1649dupATGG).
Protein change: p.Pro551fs; shifts the reading frame from proline 551.
Molecular consequence: frameshift variant.
Genome position (GRCh38, 1-based): chr8:115,604,320-115,604,323, CCAT duplicated on the plus strand (ATGG on the coding strand, the reverse complement: TRPS1 is on the minus strand). VCF-style (leftmost placement, unchanged base first): chr8-115604319-G-GCCAT. GRCh37 (hg19) VCF-style: chr8-116616546-G-GCCAT.
Other names: c.1619_1622dup, p.Pro542fs (NM_001282902.3); c.1625_1628dup, p.Pro544fs (NM_001282903.3); c.1607_1610dup, p.Pro538fs (NM_001330599.2); short protein forms P542fs, P544fs, P538fs, P551fs.
Identifiers: ClinVar variation 1451536 (VCV001451536.6), dbSNP rs2130491759, ClinGen allele CA2573142810.

ClinVar aggregate classification (germline): Pathogenic (1 of 4 stars; one submission).

Conditions:
Trichorhinophalangeal syndrome, type III (TRPS3). Also called: SUGIO-KAJII SYNDROME. Identifiers: Orphanet 77258, MedGen C1860823, OMIM 190351, MONDO:0008597.
Trichorhinophalangeal dysplasia type I (TRPS1). Also called: TRPS I; TRICHORHINOPHALANGEAL SYNDROME, TYPE I. Identifiers: Orphanet 77258, MedGen C0432233, MONDO:0008596, OMIM 190350.

Submission:

Labcorp Genetics (formerly Invitae), Labcorp
Classification: Pathogenic for Trichorhinophalangeal syndrome, type III; Trichorhinophalangeal dysplasia type I. Last evaluated: 2020-11-28. Review status: criteria provided, single submitter. Criteria: Invitae Variant Classification Sherloc (09022015). Collection method: clinical testing. Allele origin: germline.
Comment: This sequence change creates a premature translational stop signal (p.Pro551Trpfs*3) in the TRPS1 gene. It is expected to result in an absent or disrupted protein product. Loss-of-function variants in TRPS1 are known to be pathogenic (PMID: 11112658). For these reasons, this variant has been classified as Pathogenic. This variant has not been reported in the literature in individuals with TRPS1-related conditions. This variant is not present in population databases (ExAC no frequency).

Literature cited by the submitters: PubMed 11112658.